The following is an entry in ClinVar:

ClinVar aggregate classification (germline): Uncertain significance. Review status: criteria provided, multiple submitters, no conflicts (2 of 4 stars). 4 submissions from 4 submitters: Uncertain significance (4). Last evaluated 2025-07-23.

Conditions:
Cardiovascular phenotype. Identifiers: MedGen CN230736.
Catecholaminergic polymorphic ventricular tachycardia (CVPT). Also called: Catecholamine-induced polymorphic ventricular tachycardia. Identifiers: Orphanet 3286, MedGen C5574922, MONDO:0017990.
Catecholaminergic polymorphic ventricular tachycardia 1. Also called: VENTRICULAR TACHYCARDIA, CATECHOLAMINERGIC POLYMORPHIC, 1, WITH OR WITHOUT ATRIAL DYSFUNCTION AND/OR DILATED CARDIOMYOPATHY; RYR2-Related Catecholaminergic Polymorphic Ventricular Tachycardia; VENTRICULAR TACHYCARDIA, STRESS-INDUCED POLYMORPHIC 1. Identifiers: Orphanet 3286, MedGen C1631597, MONDO:0011484, OMIM 604772.
Cardiomyopathy (CMYO). Also called: Cardiomyopathies. Identifiers: Orphanet 167848, MedGen C0878544, MONDO:0004994, HP:0001638. Inheritance: Various modes of inheritance.

Allele frequency attached by ClinVar (database versions not stated): ExAC 0.00001; TOPMed 0.00001; gnomAD 0.00002; ESP Exome Variant Server 0.00008.
gnomAD v4.1: 5 of 1,613,708 alleles (0.00031%); highest among the groups gnomAD compares: East Asian, 0.0045%; no homozygotes.

Submissions (4):

Ambry Genetics
Classification: Uncertain significance for Cardiovascular phenotype. Last evaluated: 2025-07-23. Review status: criteria provided, single submitter. Criteria: Ambry Variant Classification Scheme 2023. Collection method: clinical testing. Allele origin: germline.
Comment: The p.S4054G variant (also known as c.12160A>G), located in coding exon 90 of the RYR2 gene, results from an A to G substitution at nucleotide position 12160. The serine at codon 4054 is replaced by glycine, an amino acid with similar properties. This amino acid position well conserved in available vertebrate species. In addition, this alteration is predicted to be tolerated by in silico analysis. Based on the available evidence, the clinical significance of this variant remains unclear.

Color Diagnostics, LLC DBA Color Health
Classification: Uncertain significance for Cardiomyopathy. Last evaluated: 2025-03-03. Review status: criteria provided, single submitter. Criteria: ACMG Guidelines, 2015. Collection method: clinical testing. Allele origin: germline.
Comment: This missense variant replaces serine with glycine at codon 4054 of the RYR2 protein. Computational prediction suggests that this variant may not impact protein structure and function. To our knowledge, functional studies have not been reported for this variant. This variant has not been reported in individuals affected with RYR2-related disorders in the literature. This variant has not been identified in the general population by the Genome Aggregation Database (gnomAD). The available evidence is insufficient to determine the role of this variant in disease conclusively. Therefore, this variant is classified as a Variant of Uncertain Significance.

All of Us Research Program, National Institutes of Health
Classification: Uncertain significance for Catecholaminergic polymorphic ventricular tachycardia. Last evaluated: 2024-06-11. Review status: criteria provided, single submitter. Criteria: ACMG Guidelines, 2015. Collection method: clinical testing. Allele origin: germline. Inheritance: Autosomal dominant inheritance. Observed: 2 variant alleles, 2 heterozygotes.
Comment: This study involves interpretation of variants in research participants for the purpose of population health screening. Participant phenotype was not available at the time of variant classification. Additional details can be found in publication PMID: 35346344, PMCID: PMC8962531

Labcorp Genetics (formerly Invitae), Labcorp
Classification: Uncertain significance for Catecholaminergic polymorphic ventricular tachycardia 1. Last evaluated: 2021-08-13. Review status: criteria provided, single submitter. Criteria: Invitae Variant Classification Sherloc (09022015). Collection method: clinical testing. Allele origin: germline.
Comment: This sequence change replaces serine with glycine at codon 4054 of the RYR2 protein (p.Ser4054Gly). The serine residue is highly conserved and there is a small physicochemical difference between serine and glycine. This variant is present in population databases (rs376781046, ExAC 0.002%). This missense change has been observed in individual(s) with clinical features of RYR2-related conditions (Invitae). Algorithms developed to predict the effect of missense changes on protein structure and function output the following: SIFT: "Deleterious"; PolyPhen-2: "Benign"; Align-GVGD: "Class C55". The glycine amino acid residue is found in multiple mammalian species, which suggests that this missense change does not adversely affect protein function. In summary, the available evidence is currently insufficient to determine the role of this variant in disease. Therefore, it has been classified as a Variant of Uncertain Significance.

NM_001035.3(RYR2):c.12160A>G (p.Ser4054Gly)

Gene: RYR2 (ryanodine receptor 2; plus strand). Cytogenetic location: 1q43.
Variant type: single nucleotide variant.
Coding change: c.12160A>G on transcript NM_001035.3 (MANE Select); coding-DNA position 12160, A replaced by G.
Protein change: p.Ser4054Gly; replaces serine 4054 with glycine.
Molecular consequence: missense variant.
Genome position (GRCh38, 1-based): chr1:237,783,872, A>G. VCF-style: chr1-237783872-A-G. GRCh37 (hg19) VCF-style: chr1-237947172-A-G.
Other names: c.12160A>G, p.Ser4054Gly (LRG_402t1); short protein forms S4054G.
Identifiers: ClinVar variation 404234 (VCV000404234.13), dbSNP rs376781046, ClinGen allele CA085135.
Genomic context (GRCh38, chr1:237,783,872, plus strand): 5'-GAATATGACCCCGATGGCAAGGGAGTCATTTCCAAGAGGGACTTCCACAAAGCGATGGAG[A>G]GCCATAAGCACTACACGCAGTCAGAAACGGAATTTCTTTTGTCTTGTGCGGAGACGGATG-3'
Protein context (NP_001026.2, residues 4044-4064): SKRDFHKAME[Ser4054Gly]HKHYTQSETE